The following is an entry in ClinVar:

NM_006231.4(POLE):c.1360-5C>T

Gene: POLE (DNA polymerase epsilon, catalytic subunit; minus strand). Cytogenetic location: 12q24.33.
Variant type: single nucleotide variant.
Coding change: c.1360-5C>T on transcript NM_006231.4 (MANE Select); 5 bases into the intron before coding-DNA position 1360, C replaced by T.
Molecular consequence: intron variant.
Genome position (GRCh38, 1-based): chr12:132,673,282, G>A on the plus strand (C>T on the coding strand, the complement: POLE is on the minus strand). VCF-style: chr12-132673282-G-A. GRCh37 (hg19) VCF-style: chr12-133249868-G-A.
Identifiers: ClinVar variation 517766 (VCV000517766.12), dbSNP rs1555228512, ClinGen allele CA658797998.

ClinVar aggregate classification (germline): Conflicting classifications of pathogenicity. Review status: criteria provided, conflicting classifications (1 of 4 stars). 4 submissions from 4 submitters: Uncertain significance (1); Likely benign (3). Last evaluated 2026-03-13.

Conditions:
Colorectal cancer, susceptibility to, 12 (CRCS12). Also called: COLORECTAL CANCER, SUSCEPTIBILITY TO, ON CHROMOSOME 12q24. Identifiers: Orphanet 220460, MedGen C3554460, MONDO:0014038, OMIM 615083.
Hereditary cancer-predisposing syndrome. Also called: Tumor predisposition; Hereditary Cancer Syndrome; Neoplastic Syndromes, Hereditary; Hereditary neoplastic syndrome. Identifiers: Orphanet 140162, MedGen C0027672, MeSH D009386, MONDO:0015356.

Submissions (4):

Ambry Genetics
Classification: Uncertain significance for Hereditary cancer-predisposing syndrome. Last evaluated: 2026-03-13. Review status: criteria provided, single submitter. Criteria: Ambry Variant Classification Scheme 2023. Collection method: clinical testing. Allele origin: germline.
Comment: The c.1360-5C>T intronic variant results from a C to T substitution 5 nucleotides upstream from coding exon 14 in the POLE gene. This nucleotide position is well conserved in available vertebrate species. In silico splice site analysis predicts that this alteration will not have any significant effect on splicing. Based on the available evidence, the clinical significance of this variant remains unclear.

Labcorp Genetics (formerly Invitae), Labcorp
Classification: Likely benign. Last evaluated: 2025-05-05. Review status: criteria provided, single submitter. Criteria: Invitae Variant Classification Sherloc (09022015). Collection method: clinical testing. Allele origin: germline.

Myriad Genetics, Inc.
Classification: Likely benign for Colorectal cancer, susceptibility to, 12. Last evaluated: 2025-02-11. Review status: criteria provided, single submitter. Criteria: Myriad Autosomal Dominant, Autosomal Recessive and X-Linked Classification Criteria (2023). Collection method: clinical testing. Allele origin: unknown.
Comment: This variant is considered likely benign. This variant is intronic and is not expected to impact mRNA splicing.

GeneDx
Classification: Likely benign. Last evaluated: 2017-02-16. Review status: criteria provided, single submitter. Criteria: GeneDx Variant Classification (06012015). Collection method: clinical testing. Allele origin: germline. Affected: yes.
Comment: This variant is considered likely benign or benign based on one or more of the following criteria: it is a conservative change, it occurs at a poorly conserved position in the protein, it is predicted to be benign by multiple in silico algorithms, and/or has population frequency not consistent with disease.